The following is an entry in ClinVar:

NM_001032283.3(TMPO):c.565+1692C>A

Gene: TMPO (thymopoietin; plus strand). Cytogenetic location: 12q23.1.
Variant type: single nucleotide variant.
Coding change: c.565+1692C>A on transcript NM_001032283.3 (MANE Select); 1692 bases into the intron after coding-DNA position 565, C replaced by A.
Molecular consequence: intron variant. On other transcripts: missense variant (1).
Genome position (GRCh38, 1-based): chr12:98,533,530, C>A. VCF-style: chr12-98533530-C-A. GRCh37 (hg19) VCF-style: chr12-98927308-C-A.
Other names: c.1273C>A, p.Pro425Thr (NM_003276.2); c.565+1692C>A (NM_001307975.2, NM_001032284.3); short protein forms P425T.
Identifiers: ClinVar variation 1019598 (VCV001019598.9), dbSNP rs879040481, ClinGen allele CA242224802.
Genomic context (GRCh38, chr12:98,533,530, plus strand): 5'-GTAGAAAACATACAGAAGAGAATTGATCAGTCTAAGTTTCAAGAAACTGAATTCCTGTCT[C>A]CTCCAAGAAAAGTCCCTAGACTGAGTGAGAAGTCAGTGGAGGAAAGGGATTCAGGTTCCT-3'

ClinVar aggregate classification (germline): Uncertain significance (1 of 4 stars; one submission).

Conditions:
Loeys-Dietz syndrome 2 (LDS2). Also called: TGFBR2-Related Loeys-Dietz Syndrome; AORTIC ANEURYSM, FAMILIAL THORACIC 3; Marfan syndrome, type 2 (formerly); MARFAN SYNDROME, TYPE II; Marfan Syndrome type 2; Marfan like connective tissue disorder. Identifiers: Orphanet 284973, Orphanet 558, MedGen C2674574, MONDO:0012427, OMIM 610168.

gnomAD v4.1: 3 of 1,614,024 alleles (0.00019%); highest among the groups gnomAD compares: South Asian, 0.0022%; no homozygotes.

Submission:

Labcorp Genetics (formerly Invitae), Labcorp
Classification: Uncertain significance for Loeys-Dietz syndrome 2. Last evaluated: 2024-06-12. Review status: criteria provided, single submitter. Criteria: Invitae Variant Classification Sherloc (09022015). Collection method: clinical testing. Allele origin: germline.
Comment: This sequence change replaces proline, which is neutral and non-polar, with threonine, which is neutral and polar, at codon 425 of the TMPO protein (p.Pro425Thr). This variant is not present in population databases (gnomAD no frequency). This variant has not been reported in the literature in individuals affected with TMPO-related conditions. ClinVar contains an entry for this variant (Variation ID: 1019598). Advanced modeling of protein sequence and biophysical properties (such as structural, functional, and spatial information, amino acid conservation, physicochemical variation, residue mobility, and thermodynamic stability) performed at Invitae indicates that this missense variant is not expected to disrupt TMPO protein function with a negative predictive value of 80%. In summary, the available evidence is currently insufficient to determine the role of this variant in disease. Therefore, it has been classified as a Variant of Uncertain Significance.